The following is an entry in ClinVar:

NM_000350.3(ABCA4):c.910A>T (p.Met304Leu)

Gene: ABCA4 (ATP binding cassette subfamily A member 4; minus strand). Cytogenetic location: 1p22.1.
Variant type: single nucleotide variant.
Coding change: c.910A>T on transcript NM_000350.3 (MANE Select); coding-DNA position 910, A replaced by T.
Protein change: p.Met304Leu; replaces methionine 304 with leucine.
Molecular consequence: missense variant.
Genome position (GRCh38, 1-based): chr1:94,080,667, T>A on the plus strand (A>T on the coding strand, the complement: ABCA4 is on the minus strand). VCF-style: chr1-94080667-T-A. GRCh37 (hg19) VCF-style: chr1-94546223-T-A.
Other names: c.910A>T, p.Met304Leu (NM_001425324.1); short protein forms M304L.
Identifiers: ClinVar variation 835034 (VCV000835034.7), dbSNP rs755078118, ClinGen allele CA958680.
Genomic context (GRCh38, chr1:94,080,667, plus strand): 5'-ACAGGAGGTCAGACAGGATGCCCATCAGCTTTGTAAAGGTCTCTGGACCACCATTCTGCA[T>A]GAGGGGCCTGGTCACCCACAGCAAGTCCTGCATACTCGGCCGATGGATAAACTAGGGCAA-3'
Protein context (NP_000341.2, residues 294-314): QDLLWVTRPL[Met304Leu]QNGGPETFTK

ClinVar aggregate classification (germline): Uncertain significance (1 of 4 stars; one submission).

gnomAD v4.1: 2 of 1,614,134 alleles (0.00012%); highest among the groups gnomAD compares: Non-Finnish European, 0.00017%; no homozygotes.

Submission:

Labcorp Genetics (formerly Invitae), Labcorp
Classification: Uncertain significance. Last evaluated: 2021-09-01. Review status: criteria provided, single submitter. Criteria: Invitae Variant Classification Sherloc (09022015). Collection method: clinical testing. Allele origin: germline.
Comment: This sequence change replaces methionine with leucine at codon 304 of the ABCA4 protein (p.Met304Leu). The methionine residue is weakly conserved and there is a small physicochemical difference between methionine and leucine. This variant is present in population databases (rs755078118, ExAC 0.002%). This variant has not been reported in the literature in individuals affected with ABCA4-related conditions. Algorithms developed to predict the effect of missense changes on protein structure and function output the following: SIFT: "Tolerated"; PolyPhen-2: "Benign"; Align-GVGD: "Class C0". The leucine amino acid residue is found in multiple mammalian species, which suggests that this missense change does not adversely affect protein function. In summary, the available evidence is currently insufficient to determine the role of this variant in disease. Therefore, it has been classified as a Variant of Uncertain Significance.